The following is an entry in ClinVar:

NM_001048174.2(MUTYH):c.953C>G (p.Ser318Trp)

Gene: MUTYH (mutY DNA glycosylase; minus strand). Cytogenetic location: 1p34.1.
Variant type: single nucleotide variant.
Coding change: c.953C>G on transcript NM_001048174.2 (MANE Select); coding-DNA position 953, C replaced by G.
Protein change: p.Ser318Trp; replaces serine 318 with tryptophan.
Molecular consequence: missense variant. On other transcripts: non-coding transcript variant (2).
Genome position (GRCh38, 1-based): chr1:45,331,810, G>C on the plus strand (C>G on the coding strand, the complement: MUTYH is on the minus strand). VCF-style: chr1-45331810-G-C. GRCh37 (hg19) VCF-style: chr1-45797482-G-C.
Other names: c.677C>G, p.Ser226Trp (NM_001293192.2, NM_001293196.2); c.953C>G, p.Ser318Trp (NM_001293195.2, NM_001048171.2, NM_001048173.2); c.608C>G, p.Ser203Trp (NM_001350650.2, NM_001350651.2); c.1028C>G, p.Ser343Trp (NM_012222.3); c.956C>G, p.Ser319Trp (NM_001048172.2); c.1037C>G, p.Ser346Trp (NM_001128425.2); c.998C>G, p.Ser333Trp (NM_001293190.2); c.986C>G, p.Ser329Trp (NM_001293191.2); short protein forms S346W, S332W, S343W, S203W, S226W, S318W, S333W, S319W.
Identifiers: ClinVar variation 185982 (VCV000185982.32), dbSNP rs587778538, ClinGen allele CA012006.
Genomic context (GRCh38, chr1:45,331,810, plus strand): 5'-GGCTTGCGGCTGGCCTTTCTGGGGAAGTTGACCACTCCCAGGGTCTGGTCCCAGGGCTCC[G>C]AGGGAGGCAGGCACAGGTGGCACTGTCCAGTGTTGGGAGCTGGGAACGGAGATCCCCGAA-3'
Protein context (NP_001041639.1, residues 308-328): TGQCHLCLPP[Ser318Trp]EPWDQTLGVV

ClinVar aggregate classification (germline): Conflicting classifications of pathogenicity. Review status: criteria provided, conflicting classifications (1 of 4 stars). 13 submissions from 13 submitters: Uncertain significance (11); Likely benign (1). 1 of the submissions does not count toward it. Last evaluated 2025-12-21.

Conditions:
Familial adenomatous polyposis 2. Also called: FAP type 2; Adenomas, multiple colorectal; MUTYH Polyposis; MYH-associated polyposis; MUTYH-associated polyposis; MUTYH-related attenuated familial adenomatous polyposis. Identifiers: Orphanet 220460, Orphanet 247798, MedGen C3272841, MONDO:0012041, OMIM 608456.
Gastric cancer. Also called: Stomach cancer; Malignant tumor of stomach. Identifiers: MedGen C0024623, MeSH D013274, MONDO:0001056, OMIM 613659, HP:0012126.
Hereditary cancer-predisposing syndrome. Also called: Tumor predisposition; Neoplastic Syndromes, Hereditary; Hereditary Cancer Syndrome; Hereditary neoplastic syndrome. Identifiers: Orphanet 140162, MedGen C0027672, MeSH D009386, MONDO:0015356.

Allele frequency attached by ClinVar (database versions not stated): TOPMed 0.00002.
gnomAD v4.1: 58 of 1,609,824 alleles (0.0036%); highest among the groups gnomAD compares: Non-Finnish European, 0.0046%; no homozygotes.

Submissions (13):

Labcorp Genetics (formerly Invitae), Labcorp
Classification: Uncertain significance for Familial adenomatous polyposis 2. Last evaluated: 2025-12-21. Review status: criteria provided, single submitter. Criteria: Invitae Variant Classification Sherloc (09022015). Collection method: clinical testing. Allele origin: germline.
Comment: This sequence change replaces serine, which is neutral and polar, with tryptophan, which is neutral and slightly polar, at codon 346 of the MUTYH protein (p.Ser346Trp). This variant is present in population databases (rs587778538, gnomAD 0.006%). This missense change has been observed in individual(s) with breast cancer (PMID: 30564557). ClinVar contains an entry for this variant (Variation ID: 185982). An algorithm developed to predict the effect of missense changes on protein structure and function (PolyPhen-2) suggests that this variant is likely to be disruptive. In summary, the available evidence is currently insufficient to determine the role of this variant in disease. Therefore, it has been classified as a Variant of Uncertain Significance.

Quest Diagnostics Nichols Institute San Juan Capistrano
Classification: Uncertain significance. Last evaluated: 2025-09-24. Review status: criteria provided, single submitter. Criteria: Quest Diagnostics criteria. Collection method: clinical testing. Allele origin: unknown.
Comment: The frequency of this variant in the general population (Genome Aggregation Database) is uninformative in the assessment of its pathogenicity. Analysis of this variant using bioinformatics tools for the prediction of the effect of amino acid changes on protein structure and function yielded conflicting predictions that this variant is benign or damaging. Based on the available information, we are unable to determine the clinical significance of this variant.

Color Diagnostics, LLC DBA Color Health
Classification: Uncertain significance for Hereditary cancer-predisposing syndrome. Last evaluated: 2025-06-05. Review status: criteria provided, single submitter. Criteria: ACMG Guidelines, 2015. Collection method: clinical testing. Allele origin: germline.
Comment: This missense variant replaces serine with tryptophan at codon 346 of the MUTYH protein. Computational prediction tool suggests that this variant may not impact protein structure and function. To our knowledge, functional studies have not been reported for this variant. In a large international case-control study, this variant was reported in 1/60466 breast cancer cases and 4/53461 controls (PMID: 33471991). This variant has been identified in 6/241834 chromosomes in the general population by the Genome Aggregation Database (gnomAD). The available evidence is insufficient to determine the role of this variant in disease conclusively. Therefore, this variant is classified as a Variant of Uncertain Significance.

Ambry Genetics
Classification: Likely benign for Hereditary cancer-predisposing syndrome. Last evaluated: 2025-02-26. Review status: criteria provided, single submitter. Criteria: Ambry Variant Classification Scheme 2023. Collection method: clinical testing. Allele origin: germline.

Center for Genomic Medicine, Rigshospitalet, Copenhagen University Hospital
Classification: Uncertain significance. Last evaluated: 2025-01-25. Review status: criteria provided, single submitter. Criteria: ACMG Guidelines, 2015. Collection method: clinical testing. Allele origin: germline.
Comment: BP4

Baylor Genetics
Classification: Uncertain significance for Familial adenomatous polyposis 2. Last evaluated: 2024-02-01. Review status: criteria provided, single submitter. Criteria: ACMG Guidelines, 2015. Collection method: clinical testing. Allele origin: unknown.

All of Us Research Program, National Institutes of Health
Classification: Uncertain significance for Familial adenomatous polyposis 2. Last evaluated: 2023-10-27. Review status: criteria provided, single submitter. Criteria: ACMG Guidelines, 2015. Collection method: clinical testing. Allele origin: germline. Inheritance: Autosomal recessive inheritance. Observed: 2 variant alleles, 2 heterozygotes.
Comment: This missense variant replaces serine with tryptophan at codon 346 of the MUTYH protein. Computational prediction tool suggests that this variant may not impact protein structure and function (internally defined REVEL score threshold <=0.5, PMID: 27666373). To our knowledge, functional studies have not been reported for this variant. In a large international case-control study, this variant was reported in 1/60466 breast cancer cases and 4/53461 controls (PMID: 33471991). This variant has been identified in 6/241834 chromosomes in the general population by the Genome Aggregation Database (gnomAD). The available evidence is insufficient to determine the role of this variant in disease conclusively. Therefore, this variant is classified as a Variant of Uncertain Significance.

This study involves interpretation of variants in research participants for the purpose of population health screening. Participant phenotype was not available at the time of variant classification. Additional details can be found in publication PMID: 35346344, PMCID: PMC8962531

St. Jude Molecular Pathology, St. Jude Children's Research Hospital
Classification: Uncertain significance for Familial adenomatous polyposis 2. Last evaluated: 2023-07-25. Review status: criteria provided, single submitter. Criteria: St. Jude Assertion Criteria 2020. Collection method: clinical testing. Allele origin: germline.
Comment: The MUTYH c.1037C>G (p.Ser346Trp) missense change has a maximum subpopulation frequency of 0.0046% in gnomAD v2.1.1. The in silico tool REVEL predicts a benign effect on protein function, but to our knowledge this prediction has not been confirmed by functional studies. To our knowledge, this variant has not been reported in individuals with MUTYH-associated polyposis. In summary, the evidence currently available is insufficient to determine the clinical significance of this variant. It has therefore been classified as of uncertain significance.

Department of Pathology and Laboratory Medicine, Sinai Health System
Classification: Uncertain significance for Familial adenomatous polyposis 2; Gastric cancer. Last evaluated: 2022-10-14. Review status: criteria provided, single submitter. Criteria: ACMG Guidelines, 2015. Collection method: clinical testing. Allele origin: germline. Affected: yes.

Fulgent Genetics
Classification: Uncertain significance for Familial adenomatous polyposis 2; Gastric cancer. Last evaluated: 2022-03-15. Review status: criteria provided, single submitter. Criteria: ACMG Guidelines, 2015. Collection method: clinical testing. Allele origin: unknown.

Sema4
Classification: Uncertain significance for Hereditary cancer-predisposing syndrome. Last evaluated: 2021-09-25. Review status: criteria provided, single submitter. Criteria: Sema4 Curation Guidelines. Collection method: curation. Allele origin: germline.
Comment: The MUTYH c.1037C>G (p.S346W) variant has been reported in heterozygosity in at least one individual with male breast cancer (PMID: 30564557). This variant has also been reported in 1/60466 breast cancer cases and 4/53461 healthy controls by a large case-control study (PMID: 33471991). It was observed in 5/108530 chromosomes of the Non-Finnish European subpopulation in the large and broad cohorts of the Genome Aggregation Database (PMID: 32461654). The variant has been reported in ClinVar (Variation ID: 185982). Functional studies have not been performed, and in silico predictions of the variant's effect on protein function are inconclusive. The evidence is insufficient to meet ACMG/AMP criteria for classifying the variant as benign or pathogenic. Thus, the clinical significance of this variant is currently uncertain.

GeneDx
Classification: Uncertain significance. Last evaluated: 2018-10-17. Review status: criteria provided, single submitter. Criteria: GeneDx Variant Classification Process June 2021. Collection method: clinical testing. Allele origin: germline. Affected: yes.
Comment: Not observed at a significant frequency in large population cohorts (Lek 2016); In silico analysis supports that this missense variant has a deleterious effect on protein structure/function

Counsyl
Classification: Uncertain significance for Familial adenomatous polyposis 2. Last evaluated: 2017-06-27. Review status: no assertion criteria provided. Collection method: clinical testing. Allele origin: unknown. Not counted in ClinVar's aggregate classification.

Literature cited by the submitters: PubMed 30564557 (cited by 7 submitters); PubMed 33471991 (cited by 5 submitters).